The following is an entry in ClinVar:

NM_000135.4(FANCA):c.4312A>G (p.Ser1438Gly)

Genes: ZNF276 (zinc finger protein 276; plus strand), FANCA (FA complementation group A; minus strand). Cytogenetic location: 16q24.3.
Variant type: single nucleotide variant.
Coding change: c.4312A>G on transcript NM_000135.4 (MANE Select); coding-DNA position 4312, A replaced by G.
Protein change: p.Ser1438Gly; replaces serine 1438 with glycine.
Molecular consequence: missense variant. On other transcripts: 3 prime UTR variant (3), non-coding transcript variant (4).
Genome position (GRCh38, 1-based): chr16:89,738,657, T>C on the plus strand (A>G on the coding strand, the complement: FANCA is on the minus strand). VCF-style: chr16-89738657-T-C. GRCh37 (hg19) VCF-style: chr16-89805065-T-C.
Other names: c.*41A>G (NM_001286167.3); c.*411T>C (NM_001113525.2, NM_152287.4); short protein forms S1438G.
Identifiers: ClinVar variation 3512619 (VCV003512619.1).

ClinVar aggregate classification (germline): Uncertain significance (1 of 4 stars; one submission).

Conditions:
Inborn genetic diseases. Identifiers: MedGen C0950123, MeSH D030342.

gnomAD v4.1: 1 of 1,613,602 alleles (0.000062%); highest among the groups gnomAD compares: South Asian, 0.0011%; no homozygotes.

Submission:

Ambry Genetics
Classification: Uncertain significance for Inborn genetic diseases. Last evaluated: 2024-10-04. Review status: criteria provided, single submitter. Criteria: Ambry Variant Classification Scheme 2023. Collection method: clinical testing. Allele origin: germline.
Comment: The p.S1438G variant (also known as c.4312A>G), located in coding exon 43 of the FANCA gene, results from an A to G substitution at nucleotide position 4312. The serine at codon 1438 is replaced by glycine, an amino acid with similar properties. This amino acid position is conserved. In addition, this alteration is predicted to be tolerated by in silico analysis. Based on the available evidence, the clinical significance of this variant remains unclear.